The following is an entry in ClinVar:

NM_171998.4(RAB39B):c.215+3G>A

Gene: RAB39B (RAB39B, member RAS oncogene family; minus strand). Cytogenetic location: Xq28.
Variant type: single nucleotide variant.
Coding change: c.215+3G>A on transcript NM_171998.4 (MANE Select); 3 bases into the intron after coding-DNA position 215, G replaced by A.
Molecular consequence: intron variant.
Genome position (GRCh38, 1-based): chrX:155,264,071, C>T on the plus strand (G>A on the coding strand, the complement: RAB39B is on the minus strand). VCF-style: chrX-155264071-C-T. GRCh37 (hg19) VCF-style: chrX-154493356-C-T.
Other names: c.215+3G>A (NM_171998.3).
Identifiers: ClinVar variation 587830 (VCV000587830.10), dbSNP rs377143859, ClinGen allele CA10569241.

ClinVar aggregate classification (germline): Conflicting classifications of pathogenicity. Review status: criteria provided, conflicting classifications (1 of 4 stars). 4 submissions from 4 submitters: Uncertain significance (2); Likely benign (1). 1 of the submissions does not count toward it. Last evaluated 2025-12-18.

Conditions:
Inborn genetic diseases. Identifiers: MedGen C0950123, MeSH D030342.
Early-onset parkinsonism-intellectual disability syndrome (WSMN). Also called: BASAL GANGLION DISORDER WITH MENTAL RETARDATION; X-linked recessive basal ganglia disorder with mental retardation; Laxova Brown Hogan syndrome; Basal ganglia disorder with mental retardation. Identifiers: Orphanet 2379, MedGen C0796195, MONDO:0010709, OMIM 311510.
RAB39B-related disorder. Also called: RAB39B-related condition.

Allele frequency attached by ClinVar (database versions not stated): ExAC 0.00002; gnomAD exomes 0.00003; gnomAD 0.00005 and 0.00006; TOPMed 0.00006; ESP Exome Variant Server 0.00047.

Submissions (4):

Labcorp Genetics (formerly Invitae), Labcorp
Classification: Likely benign. Last evaluated: 2025-12-18. Review status: criteria provided, single submitter. Criteria: Invitae Variant Classification Sherloc (09022015). Collection method: clinical testing. Allele origin: germline.

Pittsburgh Clinical Genomics Laboratory, University of Pittsburgh Medical Center
Classification: Uncertain significance for Early-onset parkinsonism-intellectual disability syndrome. Last evaluated: 2023-04-21. Review status: criteria provided, single submitter. Criteria: ACMG Guidelines, 2015. Collection method: clinical testing. Allele origin: germline. Inheritance: X-linked recessive inheritance. Affected: yes.
Comment: This sequence variant is a single nucleotide change (G>A) 3 bases past the end of exon 1 in the RAB39B gene. This is a previously reported variant (ClinVar) that has been observed in an individual affected by late-onset sporadic Parkinson disease (PMID: 27459931). This variant is present in 7 of 204,171 alleles (0.003%) in the gnomAD population database. Multiple bioinformatic tools predict that this G to A change will not have a negative impact on splicing. The G at this position is strongly conserved across the mammalian species examined, though the altertive base, A, is present in at least 2 mammals. Studies examining the functiol consequence of this variant have not been published, to our knowledge. At this time, there is insufficient evidence to determine if this variant is pathogenic or benign. Therefore, we consider this a variant of uncertain significance. ACMG Criteria: BP4, PM2

Ambry Genetics
Classification: Uncertain significance for Inborn genetic diseases. Last evaluated: 2016-04-26. Review status: criteria provided, single submitter. Criteria: Ambry Variant Classification Scheme 2023. Collection method: clinical testing. Allele origin: germline.
Comment: The c.215+3G>A intronic variant results from a G to A substitution 3 nucleotides after coding exon 1 in the RAB39B gene. This variant was previously reported in the SNPDatabase as rs377143859. Based on data from the NHLBI Exome Sequencing Project (ESP), the A allele has an overall frequency of approximately 0.04% (1/2443) total male alleles studied and 0.05% (1/1872) European American male alleles. This nucleotide position is well conserved in available vertebrate species. Using the BDGP and ESEfinder splice site prediction tools, this alteration is not predicted to have any significant effect on this splice donor site; however, direct evidence is unavailable. Since supporting evidence is limited at this time, the clinical significance of this alteration remains unclear.

PreventionGenetics, part of Exact Sciences
Classification: Likely benign for RAB39B-related condition. Last evaluated: 2020-02-26. Review status: no assertion criteria provided. Collection method: clinical testing. Allele origin: germline. Not counted in ClinVar's aggregate classification.
Comment: This variant is classified as likely benign based on ACMG/AMP sequence variant interpretation guidelines (Richards et al. 2015 PMID: 25741868, with internal and published modifications).

Literature cited by the submitters: PubMed 27459931 (cited by Pittsburgh Clinical Genomics Laboratory, University of Pittsburgh Medical Center).